The following is an entry in ClinVar:

NM_003327.4(TNFRSF4):c.371-13_371-10del

Gene: TNFRSF4 (TNF receptor superfamily member 4; minus strand). Cytogenetic location: 1p36.33.
Variant type: Deletion.
Coding change: c.371-13_371-10del on transcript NM_003327.4 (MANE Select); 13 bases into the intron before coding-DNA position 371 through 10 bases into the intron before coding-DNA position 371, 4 bases deleted (ATCT; older notation c.371-13_371-10delATCT).
Molecular consequence: intron variant.
Genome position (GRCh38, 1-based): chr1:1,212,714-1,212,717, AGAT deleted on the plus strand (ATCT on the coding strand, the reverse complement: TNFRSF4 is on the minus strand); deleting any 4 consecutive bases within chr1:1,212,714-1,212,719 gives the same sequence; the c. name uses the placement nearest the transcript's 3' end. VCF-style (leftmost placement, unchanged base first): chr1-1212713-AAGAT-A. GRCh37 (hg19) VCF-style: chr1-1148093-AAGAT-A.
Identifiers: ClinVar variation 1419573 (VCV001419573.6), dbSNP rs2100953077, ClinGen allele CA2573130798.

ClinVar aggregate classification (germline): Uncertain significance (1 of 4 stars; one submission).

Conditions:
Combined immunodeficiency due to OX40 deficiency. Also called: Immunodeficiency 16; OX40 DEFICIENCY. Identifiers: Orphanet 431149, MedGen C3810053, MONDO:0014268, OMIM 615593.

Submission:

Labcorp Genetics (formerly Invitae), Labcorp
Classification: Uncertain significance for Combined immunodeficiency due to OX40 deficiency. Last evaluated: 2024-06-01. Review status: criteria provided, single submitter. Criteria: Invitae Variant Classification Sherloc (09022015). Collection method: clinical testing. Allele origin: germline.
Comment: This sequence change falls in intron 3 of the TNFRSF4 gene. It does not directly change the encoded amino acid sequence of the TNFRSF4 protein. This variant is not present in population databases (gnomAD no frequency). This variant has not been reported in the literature in individuals affected with TNFRSF4-related conditions. ClinVar contains an entry for this variant (Variation ID: 1419573). Algorithms developed to predict the effect of sequence changes on RNA splicing suggest that this variant may disrupt the consensus splice site. In summary, the available evidence is currently insufficient to determine the role of this variant in disease. Therefore, it has been classified as a Variant of Uncertain Significance.